The following is an entry in ClinVar:

NM_020831.6(MRTFA):c.306G>A (p.Pro102=)

Gene: MRTFA (myocardin related transcription factor A; minus strand). Cytogenetic location: 22q13.1.
Variant type: single nucleotide variant.
Coding change: c.306G>A on transcript NM_020831.6 (MANE Select); coding-DNA position 306, G replaced by A.
Protein change: p.Pro102=; no amino-acid change (proline 102 retained).
Molecular consequence: synonymous variant.
Genome position (GRCh38, 1-based): chr22:40,463,222, C>T on the plus strand (G>A on the coding strand, the complement: MRTFA is on the minus strand). VCF-style: chr22-40463222-C-T. GRCh37 (hg19) VCF-style: chr22-40859226-C-T.
Other names: c.6G>A, p.Pro2= (NM_001282660.2); c.306G>A, p.Pro102= (NM_001282661.3, NM_001282662.3); c.111G>A, p.Pro37= (NM_001318139.2).
Identifiers: ClinVar variation 2971755 (VCV002971755.4), dbSNP rs868096885, ClinGen allele CA324453937.

ClinVar aggregate classification (germline): Uncertain significance. Review status: criteria provided, multiple submitters, no conflicts (2 of 4 stars). 2 submissions from 2 submitters: Uncertain significance (2). Last evaluated 2024-05-02.

gnomAD v4.1: 35 of 1,613,790 alleles (0.0022%); highest among the groups gnomAD compares: Middle Eastern, 0.033%; no homozygotes.

Submissions (2):

Labcorp Genetics (formerly Invitae), Labcorp
Classification: Uncertain significance. Last evaluated: 2024-05-02. Review status: criteria provided, single submitter. Criteria: Invitae Variant Classification Sherloc (09022015). Collection method: clinical testing. Allele origin: germline.
Comment: This sequence change affects codon 2 of the MKL1 mRNA. It is a 'silent' change, meaning that it does not change the encoded amino acid sequence of the MKL1 protein. It affects a nucleotide within the consensus splice site. This variant is not present in population databases (gnomAD no frequency). This variant has not been reported in the literature in individuals affected with MKL1-related conditions. Algorithms developed to predict the effect of sequence changes on RNA splicing suggest that this variant is not likely to affect RNA splicing. In summary, the available evidence is currently insufficient to determine the role of this variant in disease. Therefore, it has been classified as a Variant of Uncertain Significance.

Blueprint Genetics
Classification: Uncertain significance. Last evaluated: 2019-06-27. Review status: criteria provided, single submitter. Criteria: ACMG Guidelines, 2015. Collection method: clinical testing. Allele origin: germline.